The following is an entry in ClinVar:

NM_032043.3(BRIP1):c.1653G>T (p.Ala551=)

Gene: BRIP1 (BRCA1 interacting DNA helicase 1; minus strand). Cytogenetic location: 17q23.2.
Variant type: single nucleotide variant.
Coding change: c.1653G>T on transcript NM_032043.3 (MANE Select); coding-DNA position 1653, G replaced by T.
Protein change: p.Ala551=; no amino-acid change (alanine 551 retained).
Molecular consequence: synonymous variant.
Genome position (GRCh38, 1-based): chr17:61,780,981, C>A on the plus strand (G>T on the coding strand, the complement: BRIP1 is on the minus strand). VCF-style: chr17-61780981-C-A. GRCh37 (hg19) VCF-style: chr17-59858342-C-A.
Identifiers: ClinVar variation 819759 (VCV000819759.15), dbSNP rs750213758, ClinGen allele CA501150582.

ClinVar aggregate classification (germline): Benign/Likely benign. Review status: criteria provided, multiple submitters, no conflicts (2 of 4 stars). 3 submissions from 3 submitters: Benign (1); Likely benign (2). Last evaluated 2024-08-28.

Conditions:
Familial cancer of breast. Also called: Hereditary breast cancer; hereditary breast carcinoma; BREAST CANCER, FAMILIAL. Identifiers: Orphanet 227535, MedGen C0346153, MONDO:0016419, OMIM 114480. Disease mechanism: loss of function.
Fanconi anemia complementation group J. Also called: BRIP1-Related Fanconi Anemia. Identifiers: Orphanet 84, MedGen C1836860, MONDO:0012187, OMIM 609054.
Hereditary cancer-predisposing syndrome. Also called: Hereditary Cancer Syndrome; Neoplastic Syndromes, Hereditary; Hereditary neoplastic syndrome; Tumor predisposition. Identifiers: Orphanet 140162, MedGen C0027672, MeSH D009386, MONDO:0015356.

Submissions (3):

Myriad Genetics, Inc.
Classification: Benign for Familial cancer of breast. Last evaluated: 2024-08-28. Review status: criteria provided, single submitter. Criteria: Myriad Autosomal Dominant, Autosomal Recessive and X-Linked Classification Criteria (2023). Collection method: clinical testing. Allele origin: unknown.
Comment: This variant is considered benign. This variant is a silent/synonymous amino acid change and it is not expected to impact splicing.

Labcorp Genetics (formerly Invitae), Labcorp
Classification: Likely benign for Familial cancer of breast; Fanconi anemia complementation group J. Last evaluated: 2024-04-25. Review status: criteria provided, single submitter. Criteria: Invitae Variant Classification Sherloc (09022015). Collection method: clinical testing. Allele origin: germline.

Ambry Genetics
Classification: Likely benign for Hereditary cancer-predisposing syndrome. Last evaluated: 2019-03-05. Review status: criteria provided, single submitter. Criteria: Ambry Variant Classification Scheme 2023. Collection method: clinical testing. Allele origin: germline.